The following is an entry in ClinVar:

ClinVar aggregate classification (germline): Conflicting classifications of pathogenicity. Review status: criteria provided, conflicting classifications (1 of 4 stars). 4 submissions from 4 submitters: Uncertain significance (2); Likely benign (2). Last evaluated 2025-10-15.

Conditions:
Hyperaldosteronism, familial, type IV (HALD4). Also called: FH IV; ALDOSTERONISM, PRIMARY, AND HYPERTENSION. Identifiers: Orphanet 642671, MedGen C4310756, MONDO:0014875, OMIM 617027.
Idiopathic generalized epilepsy. Also called: Generalised epilepsy; EIG. Identifiers: MedGen C0270850, MONDO:0005579, OMIM 600669.
Epilepsy, childhood absence, susceptibility to, 6. Identifiers: Orphanet 64280, MedGen C2749872, MONDO:0012763, OMIM 611942.
Inborn genetic diseases. Identifiers: MedGen C0950123, MeSH D030342.

Allele frequency attached by ClinVar (database versions not stated): gnomAD 0.00009; ExAC 0.00010; TOPMed 0.00010; gnomAD exomes 0.00011; 1000 Genomes Project 30x 0.00047.
gnomAD v4.1: 89 of 1,601,554 alleles (0.0056%); highest among the groups gnomAD compares: Admixed American, 0.022%; no homozygotes.

Submissions (4):

Labcorp Genetics (formerly Invitae), Labcorp
Classification: Likely benign for Idiopathic generalized epilepsy; Hyperaldosteronism, familial, type IV. Last evaluated: 2025-10-15. Review status: criteria provided, single submitter. Criteria: Invitae Variant Classification Sherloc (09022015). Collection method: clinical testing. Allele origin: germline.

CeGaT Center for Human Genetics Tuebingen
Classification: Uncertain significance. Last evaluated: 2025-07-01. Review status: criteria provided, single submitter. Criteria: CeGaT Center For Human Genetics Tuebingen Variant Classification Criteria Version 2. Collection method: clinical testing. Allele origin: germline. Affected: yes. Observed: 1 variant allele.
Comment: CACNA1H: PM2

Ambry Genetics
Classification: Uncertain significance for Inborn genetic diseases. Last evaluated: 2024-06-17. Review status: criteria provided, single submitter. Criteria: Ambry Variant Classification Scheme 2023. Collection method: clinical testing. Allele origin: germline.

Fulgent Genetics
Classification: Likely benign for Epilepsy, childhood absence, susceptibility to, 6; Hyperaldosteronism, familial, type IV. Last evaluated: 2024-02-17. Review status: criteria provided, single submitter. Criteria: ACMG Guidelines, 2015. Collection method: clinical testing. Allele origin: germline.

NM_021098.3(CACNA1H):c.826C>T (p.Arg276Trp)

Gene: CACNA1H (calcium voltage-gated channel subunit alpha1 H; plus strand). Cytogenetic location: 16p13.3.
Variant type: single nucleotide variant.
Coding change: c.826C>T on transcript NM_021098.3 (MANE Select); coding-DNA position 826, C replaced by T.
Protein change: p.Arg276Trp; replaces arginine 276 with tryptophan.
Molecular consequence: missense variant.
Genome position (GRCh38, 1-based): chr16:1,200,278, C>T. VCF-style: chr16-1200278-C-T. GRCh37 (hg19) VCF-style: chr16-1250278-C-T.
Other names: c.826C>T, p.Arg276Trp (NM_001005407.2); short protein forms R276W.
Identifiers: ClinVar variation 658086 (VCV000658086.16), dbSNP rs199664795, ClinGen allele CA7799677.